The following is an entry in ClinVar:

NM_018474.6(KIZ):c.1043-4G>A

Gene: KIZ (kizuna centrosomal protein; plus strand). Cytogenetic location: 20p11.23.
Variant type: single nucleotide variant.
Coding change: c.1043-4G>A on transcript NM_018474.6 (MANE Select); 4 bases into the intron before coding-DNA position 1043, G replaced by A.
Molecular consequence: intron variant.
Genome position (GRCh38, 1-based): chr20:21,162,846, G>A. VCF-style: chr20-21162846-G-A. GRCh37 (hg19) VCF-style: chr20-21143487-G-A.
Other names: c.896-4G>A (NM_001276389.2); c.701-4G>A (NM_001352436.2); c.1043-4G>A (NM_001352434.2, NM_018474.5); c.734-4G>A (NM_001163022.3, NM_001352435.2); c.644-4G>A (NM_001163023.3).
Identifiers: ClinVar variation 1112994 (VCV001112994.12), dbSNP rs767105683, ClinGen allele CA9784774.

ClinVar aggregate classification (germline): Likely benign. Review status: criteria provided, multiple submitters, no conflicts (2 of 4 stars). 3 submissions from 3 submitters: Likely benign (2). 1 of the submissions does not count toward it. Last evaluated 2026-01-09.

Conditions:
KIZ-related disorder. Also called: KIZ-related condition.

Allele frequency attached by ClinVar (database versions not stated): TOPMed 0.00003; gnomAD exomes 0.00004 and 0.00005; gnomAD 0.00005 and 0.00006; ExAC 0.00006.

Submissions (3):

Labcorp Genetics (formerly Invitae), Labcorp
Classification: Likely benign. Last evaluated: 2026-01-09. Review status: criteria provided, single submitter. Criteria: Invitae Variant Classification Sherloc (09022015). Collection method: clinical testing. Allele origin: germline.

Blueprint Genetics
Classification: Likely benign. Last evaluated: 2024-08-22. Review status: criteria provided, single submitter. Criteria: ACMG Guidelines, 2015. Collection method: clinical testing. Allele origin: germline.

PreventionGenetics, part of Exact Sciences
Classification: Likely benign for KIZ-related condition. Last evaluated: 2019-08-16. Review status: no assertion criteria provided. Collection method: clinical testing. Allele origin: germline. Not counted in ClinVar's aggregate classification.
Comment: This variant is classified as likely benign based on ACMG/AMP sequence variant interpretation guidelines (Richards et al. 2015 PMID: 25741868, with internal and published modifications).